The following is an entry in ClinVar:

NM_012481.5(IKZF3):c.882A>G (p.Lys294=)

Gene: IKZF3 (IKAROS family zinc finger 3; minus strand). Cytogenetic location: 17q12.
Variant type: single nucleotide variant.
Coding change: c.882A>G on transcript NM_012481.5 (MANE Select); coding-DNA position 882, A replaced by G.
Protein change: p.Lys294=; no amino-acid change (lysine 294 retained).
Molecular consequence: synonymous variant.
Genome position (GRCh38, 1-based): chr17:39,766,438, T>C on the plus strand (A>G on the coding strand, the complement: IKZF3 is on the minus strand). VCF-style: chr17-39766438-T-C. GRCh37 (hg19) VCF-style: chr17-37922691-T-C.
Other names: c.780A>G, p.Lys260= (NM_001257408.2); c.663A>G, p.Lys221= (NM_001257409.2); c.621A>G, p.Lys207= (NM_001257410.2); c.453A>G, p.Lys151= (NM_001257411.2); c.336A>G, p.Lys112= (NM_001257412.2); c.219A>G, p.Lys73= (NM_001257413.2); c.480A>G, p.Lys160= (NM_001257414.2); c.141A>G, p.Lys47= (NM_001284514.2, NM_001284515.2, NM_001284516.1); and 4 more.
Identifiers: ClinVar variation 4987786 (VCV004987786.1).

ClinVar aggregate classification (germline): Benign (1 of 4 stars; one submission).

Conditions:
IKZF3-related condition.

gnomAD v4.1: 2,274 of 1,614,050 alleles (0.14%); highest among the groups gnomAD compares: African/African-American, 2.6%; 25 homozygotes.

Submission:

PreventionGenetics, part of Exact Sciences
Classification: Benign for IKZF3-related condition. Last evaluated: 2025-04-07. Review status: criteria provided, single submitter. Criteria: ACMG Guidelines, 2015. Collection method: clinical testing. Allele origin: germline.
Comment: This variant is classified as benign based on ACMG/AMP sequence variant interpretation guidelines (Richards et al. 2015 PMID: 25741868, with internal and published modifications).